The following is an entry in ClinVar:

ClinVar aggregate classification (germline): Uncertain significance. Review status: criteria provided, multiple submitters, no conflicts (2 of 4 stars). 4 submissions from 4 submitters: Uncertain significance (4). Last evaluated 2026-04-02.

Conditions:
X-linked myopathy with postural muscle atrophy. Also called: FHL1-Related Emery-Dreifuss Muscular Dystrophy, X-Linked. Identifiers: Orphanet 178461, MedGen C2678055, MONDO:0010401, OMIM 300696.
Cardiovascular phenotype. Identifiers: MedGen CN230736.

Submissions (4):

Ambry Genetics
Classification: Uncertain significance for Cardiovascular phenotype. Last evaluated: 2026-04-02. Review status: criteria provided, single submitter. Criteria: Ambry Variant Classification Scheme 2023. Collection method: clinical testing. Allele origin: germline.
Comment: The p.T190N variant (also known as c.569C>A), located in coding exon 4 of the FHL1 gene, results from a C to A substitution at nucleotide position 569. The threonine at codon 190 is replaced by asparagine, an amino acid with similar properties. This amino acid position is conserved. In addition, this alteration is predicted to be tolerated by in silico analysis. Based on the available evidence, the clinical significance of this variant remains unclear.

CeGaT Center for Human Genetics Tuebingen
Classification: Uncertain significance. Last evaluated: 2025-10-01. Review status: criteria provided, single submitter. Criteria: CeGaT Center For Human Genetics Tuebingen Variant Classification Criteria Version 2. Collection method: clinical testing. Allele origin: germline. Affected: yes. Observed: 1 variant allele.
Comment: FHL1: PM2

Labcorp Genetics (formerly Invitae), Labcorp
Classification: Uncertain significance for X-linked myopathy with postural muscle atrophy. Last evaluated: 2023-07-08. Review status: criteria provided, single submitter. Criteria: Invitae Variant Classification Sherloc (09022015). Collection method: clinical testing. Allele origin: germline.
Comment: This sequence change replaces threonine, which is neutral and polar, with asparagine, which is neutral and polar, at codon 190 of the FHL1 protein (p.Thr190Asn). This variant is not present in population databases (gnomAD no frequency). This variant has not been reported in the literature in individuals affected with FHL1-related conditions. ClinVar contains an entry for this variant (Variation ID: 1709990). An algorithm developed to predict the effect of missense changes on protein structure and function (PolyPhen-2) suggests that this variant is likely to be tolerated. In summary, the available evidence is currently insufficient to determine the role of this variant in disease. Therefore, it has been classified as a Variant of Uncertain Significance.

MGZ Medical Genetics Center
Classification: Uncertain significance for X-linked myopathy with postural muscle atrophy. Last evaluated: 2021-10-04. Review status: criteria provided, single submitter. Criteria: ACMG Guidelines, 2015. Collection method: clinical testing. Allele origin: germline. Affected: yes. Observed: 1 variant allele.
Comment: ACMG criteria applied: PM2_SUP

NM_001159699.2(FHL1):c.617C>A (p.Thr206Asn)

Gene: FHL1 (four and a half LIM domains 1; plus strand). Cytogenetic location: Xq26.3.
Variant type: single nucleotide variant.
Coding change: c.617C>A on transcript NM_001159699.2 (MANE Select); coding-DNA position 617, C replaced by A.
Protein change: p.Thr206Asn; replaces threonine 206 with asparagine.
Molecular consequence: missense variant. On other transcripts: non-coding transcript variant (1), intron variant (2).
Genome position (GRCh38, 1-based): chrX:136,208,522, C>A. VCF-style: chrX-136208522-C-A. GRCh37 (hg19) VCF-style: chrX-135290681-C-A.
Other names: c.569C>A, p.Thr190Asn (NM_001159700.2, NM_001159702.3, NM_001159704.1 and 8 more transcripts); c.656C>A, p.Thr219Asn (NM_001159701.2); c.501+561C>A (NM_001159703.2); c.549+561C>A (NM_001330659.2); c.569C>A (NM_001449.4); short protein forms T190N, T206N, T219N.
Identifiers: ClinVar variation 1709990 (VCV001709990.12), dbSNP rs2521301840, ClinGen allele CA414608844.